The following is an entry in ClinVar:

ClinVar aggregate classification (germline): Uncertain significance. Review status: criteria provided, multiple submitters, no conflicts (2 of 4 stars). 2 submissions from 2 submitters: Uncertain significance (2). Last evaluated 2022-04-07.

Conditions:
Inborn genetic diseases. Identifiers: MedGen C0950123, MeSH D030342.

Allele frequency attached by ClinVar (database versions not stated): ExAC 0.00002; TOPMed 0.00002; gnomAD 0.00003; gnomAD exomes 0.00004.
gnomAD v4.1: 55 of 1,614,064 alleles (0.0034%); highest among the groups gnomAD compares: Non-Finnish European, 0.0045%; no homozygotes.

Submissions (2):

Labcorp Genetics (formerly Invitae), Labcorp
Classification: Uncertain significance. Last evaluated: 2022-04-07. Review status: criteria provided, single submitter. Criteria: Invitae Variant Classification Sherloc (09022015). Collection method: clinical testing. Allele origin: germline.
Comment: This sequence change replaces serine, which is neutral and polar, with phenylalanine, which is neutral and non-polar, at codon 3164 of the VPS13D protein (p.Ser3164Phe). This variant is present in population databases (rs772071129, gnomAD 0.003%). This variant has not been reported in the literature in individuals affected with VPS13D-related conditions. Algorithms developed to predict the effect of missense changes on protein structure and function are either unavailable or do not agree on the potential impact of this missense change (SIFT: "Tolerated"; PolyPhen-2: "Possibly Damaging"; Align-GVGD: "Class C0"). In summary, the available evidence is currently insufficient to determine the role of this variant in disease. Therefore, it has been classified as a Variant of Uncertain Significance.

Ambry Genetics
Classification: Uncertain significance for Inborn genetic diseases. Last evaluated: 2021-07-09. Review status: criteria provided, single submitter. Criteria: Ambry Variant Classification Scheme 2023. Collection method: clinical testing. Allele origin: germline.

NM_015378.4(VPS13D):c.9491C>T (p.Ser3164Phe)

Gene: VPS13D (vacuolar protein sorting 13 homolog D; plus strand). Cytogenetic location: 1p36.22.
Variant type: single nucleotide variant.
Coding change: c.9491C>T on transcript NM_015378.4 (MANE Select); coding-DNA position 9491, C replaced by T.
Protein change: p.Ser3164Phe; replaces serine 3164 with phenylalanine.
Molecular consequence: missense variant.
Genome position (GRCh38, 1-based): chr1:12,354,033, C>T. VCF-style: chr1-12354033-C-T. GRCh37 (hg19) VCF-style: chr1-12414090-C-T.
Other names: c.9416C>T, p.Ser3139Phe (NM_018156.4); c.9491C>T (NM_015378.2); short protein forms S3139F, S3164F.
Identifiers: ClinVar variation 2187458 (VCV002187458.2), dbSNP rs772071129, ClinGen allele CA603453.